The following is an entry in ClinVar:

ClinVar aggregate classification (germline): Benign/Likely benign. Review status: criteria provided, multiple submitters, no conflicts (2 of 4 stars). 3 submissions from 3 submitters: Benign (1); Likely benign (2). Last evaluated 2025-04-11.

Conditions:
Hereditary cancer-predisposing syndrome. Also called: Neoplastic Syndromes, Hereditary; Tumor predisposition; Hereditary Cancer Syndrome; Hereditary neoplastic syndrome. Identifiers: Orphanet 140162, MedGen C0027672, MeSH D009386, MONDO:0015356.
Hereditary nonpolyposis colorectal neoplasms. Identifiers: MedGen C0009405, MeSH D003123.
Lynch syndrome 4 (LYNCH4). Also called: Hereditary non-polyposis colorectal cancer, type 4; Colorectal cancer, hereditary nonpolyposis, type 4. Identifiers: Orphanet 144, MedGen C1838333, MONDO:0013699, OMIM 614337. Disease mechanism: loss of function.

Submissions (3):

Labcorp Genetics (formerly Invitae), Labcorp
Classification: Likely benign for Hereditary nonpolyposis colorectal neoplasms. Last evaluated: 2025-04-11. Review status: criteria provided, single submitter. Criteria: Invitae Variant Classification Sherloc (09022015). Collection method: clinical testing. Allele origin: germline.

Myriad Genetics, Inc.
Classification: Benign for Lynch syndrome 4. Last evaluated: 2025-02-03. Review status: criteria provided, single submitter. Criteria: Myriad Autosomal Dominant, Autosomal Recessive and X-Linked Classification Criteria (2023). Collection method: clinical testing. Allele origin: unknown.
Comment: This variant is considered benign. This variant is a silent/synonymous amino acid change and it is not expected to impact splicing.

Ambry Genetics
Classification: Likely benign for Hereditary cancer-predisposing syndrome. Last evaluated: 2021-08-18. Review status: criteria provided, single submitter. Criteria: Ambry Variant Classification Scheme 2023. Collection method: clinical testing. Allele origin: germline.

NM_000535.7(PMS2):c.2136G>A (p.Leu712=)

Gene: PMS2 (PMS1 homolog 2, mismatch repair system component; minus strand). Cytogenetic location: 7p22.1.
Variant type: single nucleotide variant.
Coding change: c.2136G>A on transcript NM_000535.7 (MANE Select); coding-DNA position 2136, G replaced by A.
Protein change: p.Leu712=; no amino-acid change (leucine 712 retained).
Molecular consequence: synonymous variant. On other transcripts: non-coding transcript variant (1), intron variant (4).
Genome position (GRCh38, 1-based): chr7:5,982,862, C>T on the plus strand (G>A on the coding strand, the complement: PMS2 is on the minus strand). VCF-style: chr7-5982862-C-T. GRCh37 (hg19) VCF-style: chr7-6022493-C-T.
Other names: c.1731G>A, p.Leu577= (NM_001018040.1, NM_001322003.2, NM_001322004.2 and 15 more transcripts); c.1980G>A, p.Leu660= (NM_001322006.2, NM_001406870.1); c.1818G>A, p.Leu606= (NM_001322007.2, NM_001322008.2, NM_001406876.1 and 1 more transcripts); c.1575G>A, p.Leu525= (NM_001322010.2, NM_001406906.1, NM_001406907.1); c.1203G>A, p.Leu401= (NM_001322011.2, NM_001322012.2); c.1563G>A, p.Leu521= (NM_001322013.2, NM_001406909.1); c.2136G>A, p.Leu712= (NM_001322014.2, NM_001406871.1); c.1827G>A, p.Leu609= (NM_001322015.2, NM_001406875.1, NM_001406877.1 and 5 more transcripts); and 16 more.
Identifiers: ClinVar variation 1786483 (VCV001786483.4), dbSNP rs1554295780, ClinGen allele CA453643052.